The following is an entry in ClinVar:

NM_000428.3(LTBP2):c.2797G>A (p.Glu933Lys)

Gene: LTBP2 (latent transforming growth factor beta binding protein 2; minus strand). Cytogenetic location: 14q24.3.
Variant type: single nucleotide variant.
Coding change: c.2797G>A on transcript NM_000428.3 (MANE Select); coding-DNA position 2797, G replaced by A.
Protein change: p.Glu933Lys; replaces glutamic acid 933 with lysine.
Molecular consequence: missense variant.
Genome position (GRCh38, 1-based): chr14:74,516,933, C>T on the plus strand (G>A on the coding strand, the complement: LTBP2 is on the minus strand). VCF-style: chr14-74516933-C-T. GRCh37 (hg19) VCF-style: chr14-74983636-C-T.
Other names: short protein forms E933K.
Identifiers: ClinVar variation 1977501 (VCV001977501.5), dbSNP rs2087144409, ClinGen allele CA390390819.
Genomic context (GRCh38, chr14:74,516,933, plus strand): 5'-GGTACGAGCCCTCGGTGTTGGTGCACTGCCCCCCGCTGCACACCCCTGGCTGCTCACACT[C>T]ATTGATATCTGTGAACACACAGAAAAGCCCTGAGTCACAGCCAGCCCTGGAGGATGGTGG-3'
Protein context (NP_000419.1, residues 923-943): GATQECQDIN[Glu933Lys]CEQPGVCSGG

ClinVar aggregate classification (germline): Uncertain significance (1 of 4 stars; one submission).

Allele frequency attached by ClinVar (database versions not stated): gnomAD exomes below 0.00001; TOPMed below 0.00001; gnomAD 0.00001.
gnomAD v4.1: 2 of 1,551,534 alleles (0.00013%); highest among the groups gnomAD compares: Non-Finnish European, 0.00017%; no homozygotes.

Submission:

Labcorp Genetics (formerly Invitae), Labcorp
Classification: Uncertain significance. Last evaluated: 2022-06-29. Review status: criteria provided, single submitter. Criteria: Invitae Variant Classification Sherloc (09022015). Collection method: clinical testing. Allele origin: germline.
Comment: Algorithms developed to predict the effect of missense changes on protein structure and function (SIFT, PolyPhen-2, Align-GVGD) all suggest that this variant is likely to be disruptive. In summary, the available evidence is currently insufficient to determine the role of this variant in disease. Therefore, it has been classified as a Variant of Uncertain Significance. This variant has not been reported in the literature in individuals affected with LTBP2-related conditions. This variant is not present in population databases (gnomAD no frequency). This sequence change replaces glutamic acid, which is acidic and polar, with lysine, which is basic and polar, at codon 933 of the LTBP2 protein (p.Glu933Lys).